The following is an entry in ClinVar:

ClinVar aggregate classification (germline): Conflicting classifications of pathogenicity. Review status: criteria provided, conflicting classifications (1 of 4 stars). 5 submissions from 5 submitters: Uncertain significance (1); Benign (1); Likely benign (2). 1 of the submissions does not count toward it. Last evaluated 2025-09-01.

Conditions:
Occult macular dystrophy (OCMD). Also called: OMD; OCCULT MACULAR DYSTROPHY, SUSCEPTIBILITY TO. Identifiers: Orphanet 247834, MedGen C3150833, MONDO:0013316, OMIM 613587, HP:0030636.
Inborn genetic diseases. Identifiers: MedGen C0950123, MeSH D030342.
RP1L1-related disorder. Also called: RP1L1-related condition.

Allele frequency attached by ClinVar (database versions not stated): ESP Exome Variant Server 0.00008; gnomAD 0.00010; TOPMed 0.00025; 1000 Genomes Project 30x 0.00141; 1000 Genomes Project 0.00180.
gnomAD v4.1: 199 of 1,602,566 alleles (0.012%); highest among the groups gnomAD compares: East Asian, 0.12%; 2 homozygotes.

Submissions (5):

CeGaT Center for Human Genetics Tuebingen
Classification: Likely benign. Last evaluated: 2025-09-01. Review status: criteria provided, single submitter. Criteria: CeGaT Center For Human Genetics Tuebingen Variant Classification Criteria Version 2. Collection method: clinical testing. Allele origin: germline. Affected: yes. Observed: 1 variant allele.
Comment: RP1L1: BP4

Ambry Genetics
Classification: Uncertain significance for Inborn genetic diseases. Last evaluated: 2025-08-21. Review status: criteria provided, single submitter. Criteria: Ambry Variant Classification Scheme 2023. Collection method: clinical testing. Allele origin: germline.

Blueprint Genetics
Classification: Likely benign. Last evaluated: 2024-10-23. Review status: criteria provided, single submitter. Criteria: ACMG Guidelines, 2015. Collection method: clinical testing. Allele origin: germline.

Illumina Laboratory Services, Illumina
Classification: Benign for Occult macular dystrophy. Last evaluated: 2018-01-13. Review status: criteria provided, single submitter. Criteria: ICSL Variant Classification Criteria 13 December 2019. Collection method: clinical testing. Allele origin: germline.
Comment: This variant was observed in the ICSL laboratory as part of a predisposition screen in an ostensibly healthy population. It had not been previously curated by ICSL or reported in the Human Gene Mutation Database (HGMD: prior to June 1st, 2018), and was therefore a candidate for classification through an automated scoring system. Utilizing variant allele frequency, disease prevalence and penetrance estimates, and inheritance mode, an automated score was calculated to assess if this variant is too frequent to cause the disease. Based on the score and internal cut-off values, a variant classified as benign is not then subjected to further curation. The score for this variant resulted in a classification of benign for this disease.

PreventionGenetics, part of Exact Sciences
Classification: Likely benign for RP1L1-related condition. Last evaluated: 2019-07-12. Review status: no assertion criteria provided. Collection method: clinical testing. Allele origin: germline. Not counted in ClinVar's aggregate classification.
Comment: This variant is classified as likely benign based on ACMG/AMP sequence variant interpretation guidelines (Richards et al. 2015 PMID: 25741868, with internal and published modifications).

NM_178857.6(RP1L1):c.793C>G (p.Arg265Gly)

Gene: RP1L1 (RP1 like 1). Cytogenetic location: 8p23.1.
Variant type: single nucleotide variant.
Coding change: c.793C>G on transcript NM_178857.6 (MANE Select); coding-DNA position 793, C replaced by G.
Protein change: p.Arg265Gly; replaces arginine 265 with glycine.
Molecular consequence: missense variant.
Genome position (GRCh38, 1-based): chr8:10,613,305, G>C on the plus strand (C>G on the coding strand, the complement: RP1L1 is on the minus strand). VCF-style: chr8-10613305-G-C. GRCh37 (hg19) VCF-style: chr8-10470815-G-C.
Other names: short protein forms R265G.
Identifiers: ClinVar variation 361394 (VCV000361394.16), dbSNP rs367838293, ClinGen allele CA4625450.